The following is an entry in ClinVar:

NM_002474.3(MYH11):c.2924C>T (p.Thr975Met)

Gene: MYH11 (myosin heavy chain 11; minus strand). Cytogenetic location: 16p13.11.
Variant type: single nucleotide variant.
Coding change: c.2924C>T on transcript NM_002474.3 (MANE Select); coding-DNA position 2924, C replaced by T.
Protein change: p.Thr975Met; replaces threonine 975 with methionine.
Molecular consequence: missense variant.
Genome position (GRCh38, 1-based): chr16:15,740,124, G>A on the plus strand (C>T on the coding strand, the complement: MYH11 is on the minus strand). VCF-style: chr16-15740124-G-A. GRCh37 (hg19) VCF-style: chr16-15833981-G-A.
Other names: c.2945C>T, p.Thr982Met (NM_001040113.2, NM_001040114.2); c.2924C>T, p.Thr975Met (NM_022844.3); c.2945C>T (NM_001040113.1); short protein forms T975M, T982M.
Identifiers: ClinVar variation 547541 (VCV000547541.13), dbSNP rs763795192, ClinGen allele CA7922145.

ClinVar aggregate classification (germline): Uncertain significance. Review status: criteria provided, multiple submitters, no conflicts (2 of 4 stars). 6 submissions from 6 submitters: Uncertain significance (6). Last evaluated 2025-12-01.

Conditions:
Aortic aneurysm, familial thoracic 4 (AAT4). Also called: AORTIC ANEURYSM/AORTIC DISSECTION AND PATENT DUCTUS ARTERIOSUS. Identifiers: MedGen C1851504, MONDO:0007568, OMIM 132900.
Visceral myopathy 2. Identifiers: MedGen C5543466, MONDO:0859157, OMIM 619350.
Megacystis-microcolon-intestinal hypoperistalsis syndrome 2. Identifiers: MedGen C5543476, MONDO:0025708, OMIM 619351.
MYH11-related disorder. Also called: MYH11-related condition.
Connective tissue disorder. Also called: Connective tissue disease. Identifiers: MedGen C0009782, MONDO:0003900.
Familial thoracic aortic aneurysm and aortic dissection (TAAD). Also called: Thoracic aortic aneurysms and dissections. Identifiers: Orphanet 91387, MedGen C4707243, MONDO:0019625.

Allele frequency attached by ClinVar (database versions not stated): ExAC 0.00001; gnomAD exomes 0.00001 and 0.00002; TOPMed 0.00002; gnomAD 0.00003.
gnomAD v4.1: 21 of 1,614,060 alleles (0.0013%); highest among the groups gnomAD compares: Middle Eastern, 0.016%; no homozygotes.

Submissions (6):

Labcorp Genetics (formerly Invitae), Labcorp
Classification: Uncertain significance for Aortic aneurysm, familial thoracic 4. Last evaluated: 2025-12-01. Review status: criteria provided, single submitter. Criteria: Invitae Variant Classification Sherloc (09022015). Collection method: clinical testing. Allele origin: germline.
Comment: This sequence change replaces threonine, which is neutral and polar, with methionine, which is neutral and non-polar, at codon 982 of the MYH11 protein (p.Thr982Met). This variant is present in population databases (rs763795192, gnomAD 0.02%). This variant has not been reported in the literature in individuals affected with MYH11-related conditions. ClinVar contains an entry for this variant (Variation ID: 547541). Invitae Evidence Modeling of protein sequence and biophysical properties (such as structural, functional, and spatial information, amino acid conservation, physicochemical variation, residue mobility, and thermodynamic stability) indicates that this missense variant is not expected to disrupt MYH11 protein function with a negative predictive value of 95%. In summary, the available evidence is currently insufficient to determine the role of this variant in disease. Therefore, it has been classified as a Variant of Uncertain Significance.

Ambry Genetics
Classification: Uncertain significance for Familial thoracic aortic aneurysm and aortic dissection. Last evaluated: 2025-11-07. Review status: criteria provided, single submitter. Criteria: Ambry Variant Classification Scheme 2023. Collection method: clinical testing. Allele origin: germline.
Comment: The p.T975M variant (also known as c.2924C>T), located in coding exon 22 of the MYH11 gene, results from a C to T substitution at nucleotide position 2924. The threonine at codon 975 is replaced by methionine, an amino acid with similar properties. This amino acid position is well conserved in available vertebrate species. In addition, the in silico prediction for this alteration is inconclusive. Based on the available evidence, the clinical significance of this variant remains unclear.

All of Us Research Program, National Institutes of Health
Classification: Uncertain significance for Familial thoracic aortic aneurysm and aortic dissection. Last evaluated: 2024-07-20. Review status: criteria provided, single submitter. Criteria: ACMG Guidelines, 2015. Collection method: clinical testing. Allele origin: germline. Inheritance: Autosomal dominant inheritance. Observed: 4 variant alleles, 4 heterozygotes.
Comment: This missense variant replaces threonine with methionine at codon 982 of the MYH11 protein. Computational prediction is inconclusive regarding the impact of this variant on protein structure and function (internally defined REVEL score threshold 0.5 < inconclusive < 0.7, PMID: 27666373). To our knowledge, functional studies have not been reported for this variant. This variant has not been reported in individuals affected with MYH11-related disorders in the literature. This variant has been identified in 6/282892 chromosomes in the general population by the Genome Aggregation Database (gnomAD). The available evidence is insufficient to determine the role of this variant in disease conclusively. Therefore, this variant is classified as a Variant of Uncertain Significance.

This study involves interpretation of variants in research participants for the purpose of population health screening. Participant phenotype was not available at the time of variant classification. Additional details can be found in publication PMID: 35346344, PMCID: PMC8962531

PreventionGenetics, part of Exact Sciences
Classification: Uncertain significance for MYH11-related condition. Last evaluated: 2023-02-02. Review status: criteria provided, single submitter. Criteria: ACMG Guidelines, 2015. Collection method: clinical testing. Allele origin: germline.
Comment: The MYH11 c.2945C>T variant is predicted to result in the amino acid substitution p.Thr982Met. To our knowledge, this variant has not been reported in the literature. This variant is reported in 0.016% of alleles in individuals of African descent in gnomAD. At this time, the clinical significance of this variant is uncertain due to the absence of conclusive functional and genetic evidence.

Fulgent Genetics
Classification: Uncertain significance for Aortic aneurysm, familial thoracic 4; Visceral myopathy 2; Megacystis-microcolon-intestinal hypoperistalsis syndrome 2. Last evaluated: 2021-08-27. Review status: criteria provided, single submitter. Criteria: ACMG Guidelines, 2015. Collection method: clinical testing. Allele origin: unknown.

Center for Human Genetics, Inc
Classification: Uncertain significance for Connective tissue disorder. Last evaluated: 2016-11-01. Review status: criteria provided, single submitter. Criteria: ACMG Guidelines, 2015. Collection method: clinical testing. Allele origin: germline. Affected: yes.